The following is an entry in ClinVar:

NM_024503.5(HIVEP3):c.2013C>T (p.Ile671=)

Gene: HIVEP3 (HIVEP zinc finger 3; minus strand). Cytogenetic location: 1p34.2.
Variant type: single nucleotide variant.
Coding change: c.2013C>T on transcript NM_024503.5 (MANE Select); coding-DNA position 2013, C replaced by T.
Protein change: p.Ile671=; no amino-acid change (isoleucine 671 retained).
Molecular consequence: synonymous variant.
Genome position (GRCh38, 1-based): chr1:41,582,785, G>A on the plus strand (C>T on the coding strand, the complement: HIVEP3 is on the minus strand). VCF-style: chr1-41582785-G-A. GRCh37 (hg19) VCF-style: chr1-42048456-G-A.
Other names: c.2013C>T, p.Ile671= (NM_001127714.3).
Identifiers: ClinVar variation 3056445 (VCV003056445.2), dbSNP rs9943082, ClinGen allele CA798115.

ClinVar aggregate classification (germline): Benign (0 of 4 stars; one submission).

Conditions:
HIVEP3-related disorder. Also called: HIVEP3-related condition.

Allele frequency attached by ClinVar (database versions not stated): ExAC 0.00348; 1000 Genomes Project 0.00958; 1000 Genomes Project 30x 0.01046; ESP Exome Variant Server 0.01176; TOPMed 0.01254.
gnomAD v4.1: 3,386 of 1,614,158 alleles (0.21%); highest among the groups gnomAD compares: African/African-American, 3.9%; 64 homozygotes.

Submission:

PreventionGenetics, part of Exact Sciences
Classification: Benign for HIVEP3-related condition. Last evaluated: 2019-04-24. Review status: no assertion criteria provided. Collection method: clinical testing. Allele origin: germline.
Comment: This variant is classified as benign based on ACMG/AMP sequence variant interpretation guidelines (Richards et al. 2015 PMID: 25741868, with internal and published modifications).